The following is an entry in ClinVar:

ClinVar aggregate classification (germline): Uncertain significance (1 of 4 stars; one submission).

Submission:

Labcorp Genetics (formerly Invitae), Labcorp
Classification: Uncertain significance. Last evaluated: 2022-10-13. Review status: criteria provided, single submitter. Criteria: Invitae Variant Classification Sherloc (09022015). Collection method: clinical testing. Allele origin: germline.
Comment: This variant is not present in population databases (gnomAD no frequency). In summary, the available evidence is currently insufficient to determine the role of this variant in disease. Therefore, it has been classified as a Variant of Uncertain Significance. Experimental studies and prediction algorithms are not available or were not evaluated, and the functional significance of this variant is currently unknown. This variant has not been reported in the literature in individuals affected with KMT2E-related conditions. This variant, c.2886_2888del, is a complex sequence change that results in the deletion of 2 and insertion of 1 amino acid(s) in the KMT2E protein (p.Arg962_Arg963delinsSer).

NM_182931.3(KMT2E):c.2886_2888del (p.Arg962_Arg963delinsSer)

Gene: KMT2E (lysine methyltransferase 2E (inactive); plus strand). Cytogenetic location: 7q22.3.
Variant type: Deletion.
Coding change: c.2886_2888del on transcript NM_182931.3 (MANE Select); coding-DNA positions 2886 to 2888, 3 bases deleted (ACG; older notation c.2886_2888delACG).
Protein change: p.Arg962_Arg963delinsSer.
Molecular consequence: inframe indel.
Genome position (GRCh38, 1-based): chr7:105,107,204-105,107,206, ACG deleted; deleting any 3 consecutive bases within chr7:105,107,203-105,107,206 gives the same sequence; the c. name uses the placement nearest the transcript's 3' end. VCF-style (leftmost placement, unchanged base first): chr7-105107202-AGAC-A. GRCh37 (hg19) VCF-style: chr7-104747649-AGAC-A.
Other names: c.2886_2888delACG, p.Arg962_Arg963delinsSer (NM_001410908.1); c.2886_2888del, p.Arg962_Arg963delinsSer (NM_018682.4).
Identifiers: ClinVar variation 2116395 (VCV002116395.4), dbSNP rs2536508219, ClinGen allele CA2580076085.